The following is an entry in ClinVar:

NM_004614.5(TK2):c.520G>C (p.Val174Leu)

Gene: TK2 (thymidine kinase 2; minus strand). Cytogenetic location: 16q21.
Variant type: single nucleotide variant.
Coding change: c.520G>C on transcript NM_004614.5 (MANE Select); coding-DNA position 520, G replaced by C.
Protein change: p.Val174Leu; replaces valine 174 with leucine.
Molecular consequence: missense variant. On other transcripts: non-coding transcript variant (1), intron variant (1).
Genome position (GRCh38, 1-based): chr16:66,517,807, C>G on the plus strand (G>C on the coding strand, the complement: TK2 is on the minus strand). VCF-style: chr16-66517807-C-G. GRCh37 (hg19) VCF-style: chr16-66551710-C-G.
Other names: c.427G>C, p.Val143Leu (NM_001172643.1); c.445G>C, p.Val149Leu (NM_001172644.2); c.466G>C, p.Val156Leu (NM_001172645.2); c.373G>C, p.Val125Leu (NM_001271934.2); c.229G>C, p.Val77Leu (NM_001272050.2); c.357-3996G>C (NM_001271935.1); short protein forms V174L, V143L, V149L, V156L, V125L, V77L.
Identifiers: ClinVar variation 453102 (VCV000453102.12), dbSNP rs149036717, ClinGen allele CA8093651.

ClinVar aggregate classification (germline): Conflicting classifications of pathogenicity. Review status: criteria provided, conflicting classifications (1 of 4 stars). 2 submissions from 2 submitters: Uncertain significance (1); Likely benign (1). Last evaluated 2026-10-02.

Allele frequency attached by ClinVar (database versions not stated): TOPMed 0.00005.
gnomAD v4.1: 71 of 1,614,030 alleles (0.0044%); highest among the groups gnomAD compares: South Asian, 0.035%; no homozygotes.

Submissions (2):

GeneDx
Classification: Uncertain significance. Last evaluated: 2026-10-02. Review status: criteria provided, single submitter. Criteria: GeneDx Variant Classification Process June 2021. Collection method: clinical testing. Allele origin: germline.
Comment: Has not been previously published as pathogenic or benign to our knowledge; In silico analysis supports that this missense variant does not alter protein structure/function

Labcorp Genetics (formerly Invitae), Labcorp
Classification: Likely benign. Last evaluated: 2026-01-26. Review status: criteria provided, single submitter. Criteria: Invitae Variant Classification Sherloc (09022015). Collection method: clinical testing. Allele origin: germline.